The following is an entry in ClinVar:

NM_000179.3(MSH6):c.2275C>T (p.Leu759=)

Gene: MSH6 (mutS homolog 6; plus strand). Cytogenetic location: 2p16.3.
Variant type: single nucleotide variant.
Coding change: c.2275C>T on transcript NM_000179.3 (MANE Select); coding-DNA position 2275, C replaced by T.
Protein change: p.Leu759=; no amino-acid change (leucine 759 retained).
Molecular consequence: synonymous variant.
Genome position (GRCh38, 1-based): chr2:47,800,258, C>T. VCF-style: chr2-47800258-C-T. GRCh37 (hg19) VCF-style: chr2-48027397-C-T.
Other names: c.1885C>T, p.Leu629= (NM_001281492.2); c.1369C>T, p.Leu457= (NM_001281493.2, NM_001281494.2).
Identifiers: ClinVar variation 1158544 (VCV001158544.10), dbSNP rs1669442548, ClinGen allele CA426121412.

ClinVar aggregate classification (germline): Benign/Likely benign. Review status: criteria provided, multiple submitters, no conflicts (2 of 4 stars). 2 submissions from 2 submitters: Benign (1); Likely benign (1). Last evaluated 2024-12-30.

Conditions:
Hereditary nonpolyposis colorectal neoplasms. Identifiers: MedGen C0009405, MeSH D003123.
Lynch syndrome 5 (LYNCH5). Also called: Colorectal cancer, hereditary nonpolyposis, type 5; Hereditary non-polyposis colorectal cancer, type 5. Identifiers: Orphanet 144, MedGen C1833477, MONDO:0013710, OMIM 614350. Disease mechanism: loss of function.

Allele frequency attached by ClinVar (database versions not stated): gnomAD exomes below 0.00001.
gnomAD v4.1: 2 of 1,613,990 alleles (0.00012%); highest among the groups gnomAD compares: South Asian, 0.0022%; no homozygotes.

Submissions (2):

Myriad Genetics, Inc.
Classification: Benign for Lynch syndrome 5. Last evaluated: 2024-12-30. Review status: criteria provided, single submitter. Criteria: Myriad Autosomal Dominant, Autosomal Recessive and X-Linked Classification Criteria (2023). Collection method: clinical testing. Allele origin: unknown.
Comment: This variant is considered benign. This variant is a silent/synonymous amino acid change and it is not expected to impact splicing.

Labcorp Genetics (formerly Invitae), Labcorp
Classification: Likely benign for Hereditary nonpolyposis colorectal neoplasms. Last evaluated: 2024-02-17. Review status: criteria provided, single submitter. Criteria: Invitae Variant Classification Sherloc (09022015). Collection method: clinical testing. Allele origin: germline.